The following is an entry in ClinVar:

NM_003000.3(SDHB):c.703C>G (p.Gln235Glu)

Gene: SDHB (succinate dehydrogenase complex iron sulfur subunit B; minus strand). Cytogenetic location: 1p36.13.
Variant type: single nucleotide variant.
Coding change: c.703C>G on transcript NM_003000.3 (MANE Select); coding-DNA position 703, C replaced by G.
Protein change: p.Gln235Glu; replaces glutamine 235 with glutamic acid.
Molecular consequence: missense variant.
Genome position (GRCh38, 1-based): chr1:17,022,670, G>C on the plus strand (C>G on the coding strand, the complement: SDHB is on the minus strand). VCF-style: chr1-17022670-G-C. GRCh37 (hg19) VCF-style: chr1-17349165-G-C.
Other names: c.649C>G, p.Gln217Glu (NM_001407361.1); short protein forms Q217E, Q235E.
Identifiers: ClinVar variation 3223017 (VCV003223017.1), dbSNP rs2525004018, ClinGen allele CA338270299.

ClinVar aggregate classification (germline): Uncertain significance (1 of 4 stars; one submission).

Conditions:
Hereditary cancer-predisposing syndrome. Also called: Tumor predisposition; Hereditary neoplastic syndrome; Hereditary Cancer Syndrome; Neoplastic Syndromes, Hereditary. Identifiers: Orphanet 140162, MedGen C0027672, MeSH D009386, MONDO:0015356.

Submission:

Ambry Genetics
Classification: Uncertain significance for Hereditary cancer-predisposing syndrome. Last evaluated: 2023-12-14. Review status: criteria provided, single submitter. Criteria: Ambry Variant Classification Scheme 2023. Collection method: clinical testing. Allele origin: germline.
Comment: The p.Q235E variant (also known as c.703C>G), located in coding exon 7 of the SDHB gene, results from a C to G substitution at nucleotide position 703. The glutamine at codon 235 is replaced by glutamic acid, an amino acid with highly similar properties. This amino acid position is conserved. In addition, this alteration is predicted to be deleterious by in silico analysis. Since supporting evidence is limited at this time, the clinical significance of this alteration remains unclear.